The following is an entry in ClinVar:

NM_001015877.2(PHF6):c.527C>T (p.Ser176Leu)

Gene: PHF6 (PHD finger protein 6; plus strand). Cytogenetic location: Xq26.2.
Variant type: single nucleotide variant.
Coding change: c.527C>T on transcript NM_001015877.2 (MANE Select); coding-DNA position 527, C replaced by T.
Protein change: p.Ser176Leu; replaces serine 176 with leucine.
Molecular consequence: missense variant.
Genome position (GRCh38, 1-based): chrX:134,413,599, C>T. VCF-style: chrX-134413599-C-T. GRCh37 (hg19) VCF-style: chrX-133547629-C-T.
Other names: c.530C>T, p.Ser177Leu (NM_032335.3, LRG_629t2); c.527C>T, p.Ser176Leu (NM_032458.3); short protein forms S176L, S177L.
Identifiers: ClinVar variation 135032 (VCV000135032.1), dbSNP rs587778604, ClinGen allele CA161470.

ClinVar aggregate classification (germline): not provided (0 of 4 stars; one submission).

Submission:

ITMI
No classification provided. Condition: AllHighlyPenetrant. Last evaluated: 2013-09-19. Review status: no classification provided. Collection method: reference population. Allele origin: germline.
Comment: Please see associated publication for description of ethnicities

Literature cited by the submitters: PubMed 24728327.